The following is an entry in ClinVar:

NM_006440.5(TXNRD2):c.374+287G>A

Gene: TXNRD2 (thioredoxin reductase 2; minus strand). Cytogenetic location: 22q11.21.
Variant type: single nucleotide variant.
Coding change: c.374+287G>A on transcript NM_006440.5 (MANE Select); 287 bases into the intron after coding-DNA position 374, G replaced by A.
Molecular consequence: intron variant.
Genome position (GRCh38, 1-based): chr22:19,918,573, C>T on the plus strand (G>A on the coding strand, the complement: TXNRD2 is on the minus strand). VCF-style: chr22-19918573-C-T. GRCh37 (hg19) VCF-style: chr22-19906096-C-T.
Other names: NC_000022.10:g.19906096C>T; c.371+287G>A (NM_001352300.2); c.86+287G>A (NM_001352302.2); c.284+287G>A (NM_001352301.2); c.374+287G>A (NM_001282512.3); c.278+287G>A (NM_001352303.2).
Identifiers: ClinVar variation 684049 (VCV000684049.2), dbSNP rs5993865, ClinGen allele CA14920363.

ClinVar aggregate classification (germline): Benign (1 of 4 stars; one submission).

Allele frequency attached by ClinVar (database versions not stated): gnomAD 0.37953 and 0.39162; TOPMed 0.39324; 1000 Genomes Project 30x 0.50359; 1000 Genomes Project 0.51158.
gnomAD v4.1: 59,484 of 151,842 alleles (39%); highest among the groups gnomAD compares: East Asian, 88%; 12,808 homozygotes.

Submissions (13):

GeneDx
Classification: Benign. Last evaluated: 2018-06-18. Review status: criteria provided, single submitter. Criteria: GeneDx Variant Classification (06012015). Collection method: clinical testing. Allele origin: germline. Affected: yes.
Comment: This variant is considered likely benign or benign based on one or more of the following criteria: it is a conservative change, it occurs at a poorly conserved position in the protein, it is predicted to be benign by multiple in silico algorithms, and/or has population frequency not consistent with disease.

Dr. Peter K. Rogan Lab, Western University
No classification provided (evidence only). Condition: Lung cancer. Review status: no classification provided. Collection method: in vitro. Allele origin: not applicable. Functional consequence: retained intron. Not counted in ClinVar's aggregate classification.

Dr. Peter K. Rogan Lab, Western University
No classification provided (evidence only). Condition: Lung cancer. Review status: no classification provided. Collection method: in vitro. Allele origin: not applicable. Functional consequence: retained intron. Not counted in ClinVar's aggregate classification.

Dr. Peter K. Rogan Lab, Western University
No classification provided (evidence only). Condition: Lung cancer. Review status: no classification provided. Collection method: in vitro. Allele origin: not applicable. Functional consequence: retained intron. Not counted in ClinVar's aggregate classification.

Dr. Peter K. Rogan Lab, Western University
No classification provided (evidence only). Condition: Lung cancer. Review status: no classification provided. Collection method: in vitro. Allele origin: not applicable. Functional consequence: retained intron. Not counted in ClinVar's aggregate classification.

Dr. Peter K. Rogan Lab, Western University
No classification provided (evidence only). Condition: Familial cancer of breast. Review status: no classification provided. Collection method: in vitro. Allele origin: not applicable. Functional consequence: retained intron. Not counted in ClinVar's aggregate classification.

Dr. Peter K. Rogan Lab, Western University
No classification provided (evidence only). Condition: Thymoma. Review status: no classification provided. Collection method: in vitro. Allele origin: not applicable. Functional consequence: retained intron. Not counted in ClinVar's aggregate classification.

Dr. Peter K. Rogan Lab, Western University
No classification provided (evidence only). Condition: Thymoma. Review status: no classification provided. Collection method: in vitro. Allele origin: not applicable. Functional consequence: retained intron. Not counted in ClinVar's aggregate classification.

Dr. Peter K. Rogan Lab, Western University
No classification provided (evidence only). Condition: Thymoma. Review status: no classification provided. Collection method: in vitro. Allele origin: not applicable. Functional consequence: retained intron. Not counted in ClinVar's aggregate classification.

Dr. Peter K. Rogan Lab, Western University
No classification provided (evidence only). Condition: Thymoma. Review status: no classification provided. Collection method: in vitro. Allele origin: not applicable. Functional consequence: retained intron. Not counted in ClinVar's aggregate classification.

Dr. Peter K. Rogan Lab, Western University
No classification provided (evidence only). Condition: Gastric cancer. Review status: no classification provided. Collection method: in vitro. Allele origin: not applicable. Functional consequence: retained intron. Not counted in ClinVar's aggregate classification.

Dr. Peter K. Rogan Lab, Western University
No classification provided (evidence only). Condition: Gastric cancer. Review status: no classification provided. Collection method: in vitro. Allele origin: not applicable. Functional consequence: retained intron. Not counted in ClinVar's aggregate classification.

Dr. Peter K. Rogan Lab, Western University
No classification provided (evidence only). Condition: Uterine carcinosarcoma. Review status: no classification provided. Collection method: in vitro. Allele origin: not applicable. Functional consequence: retained intron. Not counted in ClinVar's aggregate classification.